The following is an entry in ClinVar:

ClinVar aggregate classification (germline): Pathogenic (1 of 4 stars; one submission).

Submission:

Labcorp Genetics (formerly Invitae), Labcorp
Classification: Pathogenic. Last evaluated: 2025-07-02. Review status: criteria provided, single submitter. Criteria: Invitae Variant Classification Sherloc (09022015). Collection method: clinical testing. Allele origin: germline.
Comment: This sequence change creates a premature translational stop signal (p.Gln1143Argfs*12) in the ABCC6 gene. It is expected to result in an absent or disrupted protein product. Loss-of-function variants in ABCC6 are known to be pathogenic (PMID: 11536079, 17617515). This variant is not present in population databases (gnomAD no frequency). This variant has not been reported in the literature in individuals affected with ABCC6-related conditions. ClinVar contains an entry for this variant (Variation ID: 2974507). Algorithms developed to predict the effect of sequence changes on RNA splicing suggest that this variant may disrupt the consensus splice site. For these reasons, this variant has been classified as Pathogenic.

Literature cited by the submitters: PubMed 11536079; PubMed 17617515.

NM_001171.6(ABCC6):c.3427del (p.Gln1143fs)

Gene: ABCC6 (ATP binding cassette subfamily C member 6; minus strand). Cytogenetic location: 16p13.11.
Variant type: Deletion.
Coding change: c.3427del on transcript NM_001171.6 (MANE Select); coding-DNA position 3427, one base deleted (C; older notation c.3427delC).
Protein change: p.Gln1143fs; shifts the reading frame from glutamine 1143.
Molecular consequence: frameshift variant.
Genome position (GRCh38, 1-based): chr16:16,163,072, G deleted on the plus strand (C on the coding strand, the reverse complement: ABCC6 is on the minus strand); the first of 3 consecutive G bases (chr16:16,163,072-16,163,074); deleting any one gives the same sequence. VCF-style (leftmost placement, unchanged base first): chr16-16163071-TG-T. GRCh37 (hg19) VCF-style: chr16-16256928-TG-T.
Other names: c.3085del, p.Gln1029fs (NM_001351800.1); short protein forms Q1143fs, Q1029fs.
Identifiers: ClinVar variation 2974507 (VCV002974507.3), dbSNP rs1162851273, ClinGen allele CA718554833.
Genomic context (GRCh38, chr16:16,163,071, plus strand): 5'-GGGAAACTGATCCTCTGGCTTTCATCTACGCGAGCATTGTTCTGAGCCACAAAGGGGGCC[TG>T]GGTTCGGAATGCCCGGACCACTGTGCTGCCCTGGAACGTCTCAGCCATGTGGGAGCAGAC-3'